The following is an entry in ClinVar:

ClinVar aggregate classification (germline): Uncertain significance. Review status: criteria provided, multiple submitters, no conflicts (2 of 4 stars). 2 submissions from 2 submitters: Uncertain significance (2). Last evaluated 2024-02-22.

Conditions:
Long QT syndrome 1 (LQT1). Identifiers: Orphanet 101016, Orphanet 768, MedGen C4551647, MONDO:0100316, OMIM 192500, MONDO:0008646.

Allele frequency attached by ClinVar (database versions not stated): gnomAD exomes below 0.00001; TOPMed below 0.00001.
gnomAD v4.1: 1 of 1,594,604 alleles (0.000063%); highest among the groups gnomAD compares: Non-Finnish European, 0.000085%; no homozygotes.

Submissions (2):

GeneDx
Classification: Uncertain significance. Last evaluated: 2024-02-22. Review status: criteria provided, single submitter. Criteria: GeneDx Variant Classification Process June 2021. Collection method: clinical testing. Allele origin: germline. Affected: yes.
Comment: Not observed at significant frequency in large population cohorts (gnomAD); In silico analysis supports that this missense variant has a deleterious effect on protein structure/function; This variant is associated with the following publications: (PMID: 35982159)

Labcorp Genetics (formerly Invitae), Labcorp
Classification: Uncertain significance for Long QT syndrome 1. Last evaluated: 2022-10-05. Review status: criteria provided, single submitter. Criteria: Invitae Variant Classification Sherloc (09022015). Collection method: clinical testing. Allele origin: germline.
Comment: This sequence change replaces arginine, which is basic and polar, with cysteine, which is neutral and slightly polar, at codon 107 of the CALM3 protein (p.Arg107Cys). This variant is not present in population databases (gnomAD no frequency). This variant has not been reported in the literature in individuals affected with CALM3-related conditions. ClinVar contains an entry for this variant (Variation ID: 655350). Algorithms developed to predict the effect of missense changes on protein structure and function are either unavailable or do not agree on the potential impact of this missense change (SIFT: "Deleterious"; PolyPhen-2: "Benign"; Align-GVGD: "Class C65"). In summary, the available evidence is currently insufficient to determine the role of this variant in disease. Therefore, it has been classified as a Variant of Uncertain Significance.

NM_005184.4(CALM3):c.319C>T (p.Arg107Cys)

Gene: CALM3 (calmodulin 3; plus strand). Cytogenetic location: 19q13.32.
Variant type: single nucleotide variant.
Coding change: c.319C>T on transcript NM_005184.4 (MANE Select); coding-DNA position 319, C replaced by T.
Protein change: p.Arg107Cys; replaces arginine 107 with cysteine.
Molecular consequence: missense variant.
Genome position (GRCh38, 1-based): chr19:46,608,879, C>T. VCF-style: chr19-46608879-C-T. GRCh37 (hg19) VCF-style: chr19-47112136-C-T.
Other names: c.211C>T, p.Arg71Cys (NM_001329921.1, NM_001329923.1, NM_001329924.2 and 2 more transcripts); c.319C>T, p.Arg107Cys (NM_001329922.1); short protein forms R107C, R71C.
Identifiers: ClinVar variation 655350 (VCV000655350.8), dbSNP rs1599759441, ClinGen allele CA406473067.